The following is an entry in ClinVar:

NM_052876.4(NACC1):c.128C>A (p.Ala43Asp)

Gene: NACC1 (nucleus accumbens associated 1; plus strand). Cytogenetic location: 19p13.13.
Variant type: single nucleotide variant.
Coding change: c.128C>A on transcript NM_052876.4 (MANE Select); coding-DNA position 128, C replaced by A.
Protein change: p.Ala43Asp; replaces alanine 43 with aspartic acid.
Molecular consequence: missense variant.
Genome position (GRCh38, 1-based): chr19:13,135,335, C>A. VCF-style: chr19-13135335-C-A. GRCh37 (hg19) VCF-style: chr19-13246149-C-A.
Other names: short protein forms A43D.
Identifiers: ClinVar variation 5018791 (VCV005018791.2).
Genomic context (GRCh38, chr19:13,135,335, plus strand): 5'-AGCGGCTGCAGGGCCTGTACTGTGACGTGTCAGTGGTGGTCAAGGGCCATGCCTTCAAGG[C>A]CCACCGGGCCGTGCTTGCTGCCAGCAGCTCCTACTTCCGGGACCTGTTCAACAACAGCCG-3'
Protein context (NP_443108.1, residues 33-53): SVVVKGHAFK[Ala43Asp]HRAVLAASSS

ClinVar aggregate classification (germline): Uncertain significance (1 of 4 stars; one submission).

Conditions:
Neurodevelopmental disorder with epilepsy, cataracts, feeding difficulties, and delayed brain myelination (NECFM). Identifiers: Orphanet 500545, MedGen C4479333, MONDO:0044306, OMIM 617393.

Submission:

Juno Genomics, Hangzhou Juno Genomics, Inc
Classification: Uncertain significance for Neurodevelopmental disorder with epilepsy, cataracts, feeding difficulties, and delayed brain myelination. Review status: criteria provided, single submitter. Criteria: ACMG Guidelines, 2015. Collection method: clinical testing. Allele origin: germline.
Comment: Absent from controls (or at extremely low frequency if recessive) in Genome Aggregation Database.;Missense variant in a gene that has a low rate of benign missense variation.;Multiple lines of computational evidence support a deleterious effect on the gene or gene product.